The following is an entry in ClinVar:

NM_006593.4(TBR1):c.1744C>A (p.Leu582Met)

Gene: TBR1 (T-box brain transcription factor 1; plus strand). Cytogenetic location: 2q24.2.
Variant type: single nucleotide variant.
Coding change: c.1744C>A on transcript NM_006593.4 (MANE Select); coding-DNA position 1744, C replaced by A.
Protein change: p.Leu582Met; replaces leucine 582 with methionine.
Molecular consequence: missense variant.
Genome position (GRCh38, 1-based): chr2:161,423,922, C>A. VCF-style: chr2-161423922-C-A. GRCh37 (hg19) VCF-style: chr2-162280433-C-A.
Other names: short protein forms L582M.
Identifiers: ClinVar variation 3391751 (VCV003391751.1).

ClinVar aggregate classification (germline): Uncertain significance (1 of 4 stars; one submission).

Submission:

GeneDx
Classification: Uncertain significance. Last evaluated: 2024-06-20. Review status: criteria provided, single submitter. Criteria: GeneDx Variant Classification Process June 2021. Collection method: clinical testing. Allele origin: germline. Affected: yes.
Comment: Not observed at significant frequency in large population cohorts (gnomAD); In silico analysis indicates that this missense variant does not alter protein structure/function; Has not been previously published as pathogenic or benign to our knowledge